The following is an entry in ClinVar:

ClinVar aggregate classification (germline): Uncertain significance. Review status: criteria provided, multiple submitters, no conflicts (2 of 4 stars). 3 submissions from 3 submitters: Uncertain significance (3). Last evaluated 2024-10-30.

Conditions:
Long QT syndrome (LQTS). Identifiers: MedGen C0023976, MeSH D008133, MONDO:0002442. Disease mechanism: loss of function. Inheritance: Various modes of inheritance.
Long QT syndrome 11 (LQT11). Identifiers: Orphanet 101016, Orphanet 768, MedGen C2678483, MONDO:0012738, OMIM 611820.
Cardiovascular phenotype. Identifiers: MedGen CN230736.

Allele frequency attached by ClinVar (database versions not stated): gnomAD 0.00006; TOPMed 0.00006; 1000 Genomes Project 0.00040; 1000 Genomes Project 30x 0.00047.
gnomAD v4.1: 95 of 1,614,206 alleles (0.0059%); highest among the groups gnomAD compares: Non-Finnish European, 0.0076%; no homozygotes.

Submissions (3):

Labcorp Genetics (formerly Invitae), Labcorp
Classification: Uncertain significance for Long QT syndrome. Last evaluated: 2024-10-30. Review status: criteria provided, single submitter. Criteria: Invitae Variant Classification Sherloc (09022015). Collection method: clinical testing. Allele origin: germline.
Comment: This sequence change replaces glycine, which is neutral and non-polar, with glutamic acid, which is acidic and polar, at codon 3745 of the AKAP9 protein (p.Gly3745Glu). This variant is present in population databases (rs140853603, gnomAD 0.01%). This variant has not been reported in the literature in individuals affected with AKAP9-related conditions. ClinVar contains an entry for this variant (Variation ID: 264384). An algorithm developed to predict the effect of missense changes on protein structure and function (PolyPhen-2) suggests that this variant is likely to be disruptive. In summary, the available evidence is currently insufficient to determine the role of this variant in disease. Therefore, it has been classified as a Variant of Uncertain Significance.

Ambry Genetics
Classification: Uncertain significance for Cardiovascular phenotype. Last evaluated: 2023-12-20. Review status: criteria provided, single submitter. Criteria: Ambry Variant Classification Scheme 2023. Collection method: clinical testing. Allele origin: germline.
Comment: The p.G3745E variant (also known as c.11234G>A), located in coding exon 46 of the AKAP9 gene, results from a G to A substitution at nucleotide position 11234. The glycine at codon 3745 is replaced by glutamic acid, an amino acid with similar properties. This alteration has been reported in a control population in a cancer predisposition case control study (Pritchard AL et al. PLoS One, 2018 Apr;13:e0194098). This amino acid position is highly conserved in available vertebrate species. In addition, the in silico prediction for this alteration is inconclusive. Since supporting evidence is limited at this time, the clinical significance of this alteration remains unclear.

Fulgent Genetics
Classification: Uncertain significance for Long QT syndrome 11. Last evaluated: 2021-08-03. Review status: criteria provided, single submitter. Criteria: ACMG Guidelines, 2015. Collection method: clinical testing. Allele origin: unknown.

Literature cited by the submitters: PubMed 29641532 (cited by Ambry Genetics).

NM_005751.5(AKAP9):c.11234G>A (p.Gly3745Glu)

Gene: AKAP9 (A-kinase anchoring protein 9; plus strand). Cytogenetic location: 7q21.2.
Variant type: single nucleotide variant.
Coding change: c.11234G>A on transcript NM_005751.5 (MANE Select); coding-DNA position 11234, G replaced by A.
Protein change: p.Gly3745Glu; replaces glycine 3745 with glutamic acid.
Molecular consequence: missense variant.
Genome position (GRCh38, 1-based): chr7:92,102,730, G>A. VCF-style: chr7-92102730-G-A. GRCh37 (hg19) VCF-style: chr7-91732044-G-A.
Other names: c.11210G>A, p.Gly3737Glu (NM_147185.3); c.5879G>A, p.Gly1960Glu (NM_001379277.1); short protein forms G3745E, G3737E, G1960E.
Identifiers: ClinVar variation 264384 (VCV000264384.14), dbSNP rs140853603, ClinGen allele CA4338122.
Genomic context (GRCh38, chr7:92,102,730, plus strand): 5'-TACTGGGTGGGTTCCAGGAATGTGAAGATGCCACCTTGGCCCTGCTTGCCCGGATGGGGG[G>A]GCAGCCAGCTTTCACGGATCTAGAGGTGATCACCAATCGCCCAAAGGGCTTCACCAGGTT-3'
Protein context (NP_005742.4, residues 3735-3755): ATLALLARMG[Gly3745Glu]QPAFTDLEVI